The following is an entry in ClinVar:

ClinVar aggregate classification (germline): Uncertain significance (1 of 4 stars; one submission).

Conditions:
Cystic fibrosis (CF). Also called: MUCOVISCIDOSIS. Identifiers: Orphanet 586, MedGen C0010674, MONDO:0009061, OMIM 219700. Disease mechanism: loss of function.

Submission:

Labcorp Genetics (formerly Invitae), Labcorp
Classification: Uncertain significance for Cystic fibrosis. Last evaluated: 2025-08-19. Review status: criteria provided, single submitter. Criteria: Invitae Variant Classification Sherloc (09022015). Collection method: clinical testing. Allele origin: germline.
Comment: This sequence change replaces tyrosine, which is neutral and polar, with histidine, which is basic and polar, at codon 913 of the CFTR protein (p.Tyr913His). This variant is not present in population databases (gnomAD no frequency). This variant has not been reported in the literature in individuals affected with CFTR-related conditions. Invitae Evidence Modeling of protein sequence and biophysical properties (such as structural, functional, and spatial information, amino acid conservation, physicochemical variation, residue mobility, and thermodynamic stability) indicates that this missense variant is not expected to disrupt CFTR protein function with a negative predictive value of 80%. This variant disrupts the p.Tyr913 amino acid residue in CFTR. Other variant(s) that disrupt this residue have been determined to be pathogenic (PMID: 2210768, 18766277, 28830496). This suggests that this residue is clinically significant, and that variants that disrupt this residue are likely to be disease-causing. In summary, the available evidence is currently insufficient to determine the role of this variant in disease. Therefore, it has been classified as a Variant of Uncertain Significance.

Literature cited by the submitters: PubMed 2210768; PubMed 18766277; PubMed 28830496.

NM_000492.4(CFTR):c.2737T>C (p.Tyr913His)

Gene: CFTR (CF transmembrane conductance regulator; plus strand). Cytogenetic location: 7q31.2.
Variant type: single nucleotide variant.
Coding change: c.2737T>C on transcript NM_000492.4 (MANE Select); coding-DNA position 2737, T replaced by C.
Protein change: p.Tyr913His; replaces tyrosine 913 with histidine.
Molecular consequence: missense variant.
Genome position (GRCh38, 1-based): chr7:117,603,611, T>C. VCF-style: chr7-117603611-T-C. GRCh37 (hg19) VCF-style: chr7-117243665-T-C.
Other names: short protein forms Y913H.
Identifiers: ClinVar variation 4707820 (VCV004707820.1).